The following is an entry in ClinVar:

ClinVar aggregate classification (germline): Uncertain significance (1 of 4 stars; one submission).

Submission:

Labcorp Genetics (formerly Invitae), Labcorp
Classification: Uncertain significance. Last evaluated: 2022-03-08. Review status: criteria provided, single submitter. Criteria: Invitae Variant Classification Sherloc (09022015). Collection method: clinical testing. Allele origin: germline.
Comment: Algorithms developed to predict the effect of missense changes on protein structure and function are either unavailable or do not agree on the potential impact of this missense change (SIFT: "Deleterious"; PolyPhen-2: "Probably Damaging"; Align-GVGD: "Class C0"). This variant has not been reported in the literature in individuals affected with ADGRV1-related conditions. This variant is not present in population databases (gnomAD no frequency). This sequence change replaces aspartic acid, which is acidic and polar, with tyrosine, which is neutral and polar, at codon 2335 of the ADGRV1 protein (p.Asp2335Tyr). In summary, the available evidence is currently insufficient to determine the role of this variant in disease. Therefore, it has been classified as a Variant of Uncertain Significance.

NM_032119.4(ADGRV1):c.7003G>T (p.Asp2335Tyr)

Gene: ADGRV1 (adhesion G protein-coupled receptor V1; plus strand). Cytogenetic location: 5q14.3.
Variant type: single nucleotide variant.
Coding change: c.7003G>T on transcript NM_032119.4 (MANE Select); coding-DNA position 7003, G replaced by T.
Protein change: p.Asp2335Tyr; replaces aspartic acid 2335 with tyrosine.
Molecular consequence: missense variant. On other transcripts: non-coding transcript variant (1).
Genome position (GRCh38, 1-based): chr5:90,692,656, G>T. VCF-style: chr5-90692656-G-T. GRCh37 (hg19) VCF-style: chr5-89988473-G-T.
Other names: short protein forms D2335Y.
Identifiers: ClinVar variation 1976157 (VCV001976157.5), dbSNP rs1746631861, ClinGen allele CA360371025.